The following is an entry in ClinVar:

NM_004415.4(DSP):c.343A>C (p.Asn115His)

Gene: DSP (desmoplakin; plus strand). Cytogenetic location: 6p24.3.
Variant type: single nucleotide variant.
Coding change: c.343A>C on transcript NM_004415.4 (MANE Select); coding-DNA position 343, A replaced by C.
Protein change: p.Asn115His; replaces asparagine 115 with histidine.
Molecular consequence: missense variant.
Genome position (GRCh38, 1-based): chr6:7,558,185, A>C. VCF-style: chr6-7558185-A-C. GRCh37 (hg19) VCF-style: chr6-7558418-A-C.
Other names: c.343A>C, p.Asn115His (NM_001008844.3, NM_001319034.2, NM_001406591.1); short protein forms N115H.
Identifiers: ClinVar variation 2587388 (VCV002587388.2), dbSNP rs1758559981, ClinGen allele CA362671243.

ClinVar aggregate classification (germline): Uncertain significance (1 of 4 stars; one submission).

Conditions:
Cardiovascular phenotype. Identifiers: MedGen CN230736.

Submission:

Ambry Genetics
Classification: Uncertain significance for Cardiovascular phenotype. Last evaluated: 2023-06-25. Review status: criteria provided, single submitter. Criteria: Ambry Variant Classification Scheme 2023. Collection method: clinical testing. Allele origin: germline.
Comment: The p.N115H variant (also known as c.343A>C), located in coding exon 3 of the DSP gene, results from an A to C substitution at nucleotide position 343. The asparagine at codon 115 is replaced by histidine, an amino acid with similar properties. This amino acid position is conserved. In addition, the in silico prediction for this alteration is inconclusive. Since supporting evidence is limited at this time, the clinical significance of this alteration remains unclear.